The following is an entry in ClinVar:

NM_017841.4(SDHAF2):c.80G>A (p.Ser27Asn)

Gene: SDHAF2 (succinate dehydrogenase complex assembly factor 2; plus strand). Cytogenetic location: 11q12.2.
Variant type: single nucleotide variant.
Coding change: c.80G>A on transcript NM_017841.4 (MANE Select); coding-DNA position 80, G replaced by A.
Protein change: p.Ser27Asn; replaces serine 27 with asparagine.
Molecular consequence: missense variant.
Genome position (GRCh38, 1-based): chr11:61,437,668, G>A. VCF-style: chr11-61437668-G-A. GRCh37 (hg19) VCF-style: chr11-61205140-G-A.
Other names: short protein forms S27N.
Identifiers: ClinVar variation 532516 (VCV000532516.17), dbSNP rs759472787, ClinGen allele CA059592.
Genomic context (GRCh38, chr11:61,437,668, plus strand): 5'-TGGTTTGTTCATTTCAGATGCTTGCTCTGTCAAGGCACAGCCTATTGTCTCCTTTGCTCA[G>A]TGTGACATCATTCAGACGCTTCTACAGAGGTGACAGCCCAACAGATTCCCAAAAGGACAT-3'
Protein context (NP_060311.1, residues 17-37): SRHSLLSPLL[Ser27Asn]VTSFRRFYRG

ClinVar aggregate classification (germline): Conflicting classifications of pathogenicity. Review status: criteria provided, conflicting classifications (1 of 4 stars). 5 submissions from 5 submitters: Uncertain significance (4); Likely benign (1). Last evaluated 2026-04-21.

Conditions:
Hereditary pheochromocytoma and paraganglioma. Also called: Hereditary pheochromocytoma-paraganglioma; Hereditary Paraganglioma-Pheochromocytoma Syndromes; Hereditary paragangliomas and pheochromocytomas. Identifiers: Orphanet 29072, MedGen C4274332, MONDO:0017366.
SDHAF2-related disorder. Also called: SDHAF2-related condition.
Hereditary cancer-predisposing syndrome. Also called: Hereditary neoplastic syndrome; Hereditary Cancer Syndrome; Neoplastic Syndromes, Hereditary; Tumor predisposition. Identifiers: Orphanet 140162, MedGen C0027672, MeSH D009386, MONDO:0015356.

Allele frequency attached by ClinVar (database versions not stated): TOPMed below 0.00001; gnomAD 0.00001.

Submissions (5):

PreventionGenetics, part of Exact Sciences
Classification: Uncertain significance for SDHAF2-related condition. Last evaluated: 2026-04-21. Review status: criteria provided, single submitter. Criteria: ACMG Guidelines, 2015. Collection method: clinical testing. Allele origin: germline.
Comment: The SDHAF2 c.80G>A variant is predicted to result in the amino acid substitution p.Ser27Asn. To our knowledge, this variant has not been reported in the literature. This variant is reported in 0.0040% of alleles in individuals of European (Finnish) descent in gnomAD. This variant has conflicting interpretations in ClinVar ranging from uncertain to likely benign (Variation ID: 532516). At this time, the clinical significance of this variant is uncertain due to the absence of conclusive functional and genetic evidence.

Labcorp Genetics (formerly Invitae), Labcorp
Classification: Uncertain significance for Hereditary pheochromocytoma and paraganglioma. Last evaluated: 2025-12-15. Review status: criteria provided, single submitter. Criteria: Invitae Variant Classification Sherloc (09022015). Collection method: clinical testing. Allele origin: germline.
Comment: This sequence change replaces serine, which is neutral and polar, with asparagine, which is neutral and polar, at codon 27 of the SDHAF2 protein (p.Ser27Asn). This variant is present in population databases (rs759472787, gnomAD 0.004%). This variant has not been reported in the literature in individuals affected with SDHAF2-related conditions. ClinVar contains an entry for this variant (Variation ID: 532516). An algorithm developed to predict the effect of missense changes on protein structure and function outputs the following: PolyPhen-2: "Benign". The asparagine amino acid residue is found in multiple mammalian species, which suggests that this missense change does not adversely affect protein function. In summary, the available evidence is currently insufficient to determine the role of this variant in disease. Therefore, it has been classified as a Variant of Uncertain Significance.

Color Diagnostics, LLC DBA Color Health
Classification: Uncertain significance for Hereditary pheochromocytoma and paraganglioma. Last evaluated: 2024-02-06. Review status: criteria provided, single submitter. Criteria: ACMG Guidelines, 2015. Collection method: clinical testing. Allele origin: germline.
Comment: This missense variant replaces serine with asparagine at codon 27 of the SDHAF2 protein. Computational prediction suggests that this variant may not impact protein structure and function. To our knowledge, functional studies have not been reported for this variant. This variant has not been reported in individuals affected with SDHAF2-related disorders in the literature. This variant has been identified in 5/282870 chromosomes in the general population by the Genome Aggregation Database (gnomAD). The available evidence is insufficient to determine the role of this variant in disease conclusively. Therefore, this variant is classified as a Variant of Uncertain Significance.

Ambry Genetics
Classification: Likely benign for Hereditary cancer-predisposing syndrome. Last evaluated: 2024-01-19. Review status: criteria provided, single submitter. Criteria: Ambry Variant Classification Scheme 2023. Collection method: clinical testing. Allele origin: germline.

GeneDx
Classification: Uncertain significance. Last evaluated: 2022-04-13. Review status: criteria provided, single submitter. Criteria: GeneDx Variant Classification Process June 2021. Collection method: clinical testing. Allele origin: germline. Affected: yes.
Comment: Not observed at significant frequency in large population cohorts (gnomAD); In silico analysis supports that this missense variant does not alter protein structure/function; Has not been previously published as pathogenic or benign to our knowledge; This variant is associated with the following publications: (PMID: 25494863)